The following is an entry in ClinVar:

NC_000006.12:g.165986189C>T

Genes: LINC00473 (long independently transcribed non-coding RNA 473; minus strand), PDE10A (phosphodiesterase 10A; minus strand). Cytogenetic location: 6q27.
Variant type: single nucleotide variant.
Genome position: GRCh38 VCF-style: chr6-165986189-C-T. GRCh37 (hg19) VCF-style: chr6-166399677-C-T.
Identifiers: ClinVar variation 2579013 (VCV002579013.25), dbSNP rs574135894, ClinGen allele CA151872881.
Genomic context (GRCh38, chr6:165,986,189, plus strand): 5'-CAAACCAGGCAGTGGGTTCCTCCTCTGGGAGCTGGGGTTCTCCGCCACCTCCTCCACCCT[C>T]GAGGGCTTTGCGTTTCTTCGACATCTCTGCCCAGGGCTGGGGATTTGGGGGTTTTCTTTC-3'

ClinVar aggregate classification (germline): Uncertain significance (1 of 4 stars; one submission).

Allele frequency attached by ClinVar (database versions not stated): gnomAD 0.00001; TOPMed 0.00001; 1000 Genomes Project 30x 0.00031; 1000 Genomes Project 0.00040.

Submission:

CeGaT Center for Human Genetics Tuebingen
Classification: Uncertain significance. Last evaluated: 2023-08-01. Review status: criteria provided, single submitter. Criteria: CeGaT Center For Human Genetics Tuebingen Variant Classification Criteria Version 2. Collection method: clinical testing. Allele origin: germline. Affected: yes. Observed: 1 variant allele.
Comment: PDE10A: PM2, PP2